The following is an entry in ClinVar:

ClinVar aggregate classification (germline): Uncertain significance (1 of 4 stars; one submission).

Submission:

GeneDx
Classification: Uncertain significance. Last evaluated: 2017-01-20. Review status: criteria provided, single submitter. Criteria: GeneDx Variant Classification (06012015). Collection method: clinical testing. Allele origin: germline. Affected: yes.
Comment: A variant of uncertain significance has been identified in the MURC gene. The K115R variant has not been published as pathogenic or been reported as benign to our knowledge. This variant is not observed in large population cohorts (Lek et al., 2016; Exome Variant Server). However, the K115R variant is a conservative amino acid substitution, which is not likely to impact secondary protein structure as these residues share similar properties. This substitution occurs at a position that is not conserved across species and where arginine is the wild type in several species. Finally, in silico analysis predicts this variant likely does not alter the protein structure/function.

NM_001018116.2(CAVIN4):c.344A>G (p.Lys115Arg)

Gene: CAVIN4 (caveolae associated protein 4; plus strand). Cytogenetic location: 9q31.1.
Variant type: single nucleotide variant.
Coding change: c.344A>G on transcript NM_001018116.2 (MANE Select); coding-DNA position 344, A replaced by G.
Protein change: p.Lys115Arg; replaces lysine 115 with arginine.
Molecular consequence: missense variant.
Genome position (GRCh38, 1-based): chr9:100,578,487, A>G. VCF-style: chr9-100578487-A-G. GRCh37 (hg19) VCF-style: chr9-103340769-A-G.
Other names: c.344A>G, p.Lys115Arg (LRG_760t1); short protein forms K115R.
Identifiers: ClinVar variation 393023 (VCV000393023.2), dbSNP rs762774797, ClinGen allele CA16605290.